The following is an entry in ClinVar:

NM_000525.4(KCNJ11):c.408C>T (p.Arg136=)

Gene: KCNJ11 (potassium inwardly rectifying channel subfamily J member 11; minus strand). Cytogenetic location: 11p15.1.
Variant type: single nucleotide variant.
Coding change: c.408C>T on transcript NM_000525.4 (MANE Select); coding-DNA position 408, C replaced by T.
Protein change: p.Arg136=; no amino-acid change (arginine 136 retained).
Molecular consequence: synonymous variant.
Genome position (GRCh38, 1-based): chr11:17,387,684, G>A on the plus strand (C>T on the coding strand, the complement: KCNJ11 is on the minus strand). VCF-style: chr11-17387684-G-A. GRCh37 (hg19) VCF-style: chr11-17409231-G-A.
Other names: c.147C>T, p.Arg49= (NM_001166290.2, NM_001377296.1, NM_001377297.1); c.408C>T (NM_000525.3).
Identifiers: ClinVar variation 2046842 (VCV002046842.6), dbSNP rs2496410894, ClinGen allele CA473515574.
Genomic context (GRCh38, chr11:17,387,684, plus strand): 5'-CCCCACGATGTTCTGCACGATGAGGATCAGGATGGCCAGTGGGCACTCCTCAGTCACCAT[G>A]CGCCCCCCAAAGCCAATAGTCACTTGGACCTCAATGGAGAAAAGGAAGGCAGACGAGAAG-3'
Protein context (NP_000516.3, residues 126-146): EVQVTIGFGG[Arg136=]MVTEECPLAI

ClinVar aggregate classification (germline): Likely benign. Review status: criteria provided, single submitter (1 of 4 stars). 2 submissions from 2 submitters: Likely benign (1). 1 of the submissions does not count toward it. Last evaluated 2023-07-21.

Conditions:
KCNJ11-related disorder. Also called: KCNJ11-related condition; KCNJ11-related disorders.

Allele frequency attached by ClinVar (database versions not stated): gnomAD exomes below 0.00001.

Submissions (2):

Labcorp Genetics (formerly Invitae), Labcorp
Classification: Likely benign. Last evaluated: 2023-07-21. Review status: criteria provided, single submitter. Criteria: Invitae Variant Classification Sherloc (09022015). Collection method: clinical testing. Allele origin: germline.

PreventionGenetics, part of Exact Sciences
Classification: Likely benign for KCNJ11-related condition. Last evaluated: 2019-07-01. Review status: no assertion criteria provided. Collection method: clinical testing. Allele origin: germline. Not counted in ClinVar's aggregate classification.
Comment: This variant is classified as likely benign based on ACMG/AMP sequence variant interpretation guidelines (Richards et al. 2015 PMID: 25741868, with internal and published modifications).